The following is an entry in ClinVar:

ClinVar aggregate classification (germline): Uncertain significance. Review status: criteria provided, multiple submitters, no conflicts (2 of 4 stars). 2 submissions from 2 submitters: Uncertain significance (2). Last evaluated 2023-01-01.

Conditions:
Cardiovascular phenotype. Identifiers: MedGen CN230736.
Catecholaminergic polymorphic ventricular tachycardia 1. Also called: RYR2-Related Catecholaminergic Polymorphic Ventricular Tachycardia; VENTRICULAR TACHYCARDIA, STRESS-INDUCED POLYMORPHIC 1; VENTRICULAR TACHYCARDIA, CATECHOLAMINERGIC POLYMORPHIC, 1, WITH OR WITHOUT ATRIAL DYSFUNCTION AND/OR DILATED CARDIOMYOPATHY. Identifiers: Orphanet 3286, MedGen C1631597, MONDO:0011484, OMIM 604772.

Allele frequency attached by ClinVar (database versions not stated): gnomAD 0.00001; 1000 Genomes Project 30x 0.00016; 1000 Genomes Project 0.00020.
gnomAD v4.1: 3 of 1,539,500 alleles (0.00019%); highest among the groups gnomAD compares: East Asian, 0.0023%; no homozygotes.

Submissions (2):

Ambry Genetics
Classification: Uncertain significance for Cardiovascular phenotype. Last evaluated: 2023-01-01. Review status: criteria provided, single submitter. Criteria: Ambry Variant Classification Scheme 2023. Collection method: clinical testing. Allele origin: germline.
Comment: The p.H403P variant (also known as c.1208A>C), located in coding exon 17 of the TRDN gene, results from an A to C substitution at nucleotide position 1208. The histidine at codon 403 is replaced by proline, an amino acid with similar properties. This amino acid position is conserved. In addition, this alteration is predicted to be tolerated by in silico analysis. Since supporting evidence is limited at this time, the clinical significance of this alteration remains unclear.

Labcorp Genetics (formerly Invitae), Labcorp
Classification: Uncertain significance for Catecholaminergic polymorphic ventricular tachycardia 1. Last evaluated: 2022-03-26. Review status: criteria provided, single submitter. Criteria: Invitae Variant Classification Sherloc (09022015). Collection method: clinical testing. Allele origin: germline.
Comment: This variant has not been reported in the literature in individuals affected with TRDN-related conditions. In summary, the available evidence is currently insufficient to determine the role of this variant in disease. Therefore, it has been classified as a Variant of Uncertain Significance. Algorithms developed to predict the effect of missense changes on protein structure and function output the following: SIFT: "Deleterious"; PolyPhen-2: "Possibly Damaging"; Align-GVGD: "Class C0". The proline amino acid residue is found in multiple mammalian species, which suggests that this missense change does not adversely affect protein function. This variant is not present in population databases (gnomAD no frequency). This sequence change replaces histidine, which is basic and polar, with proline, which is neutral and non-polar, at codon 403 of the TRDN protein (p.His403Pro).

NM_006073.4(TRDN):c.1208A>C (p.His403Pro)

Gene: TRDN (triadin; minus strand). Cytogenetic location: 6q22.31.
Variant type: single nucleotide variant.
Coding change: c.1208A>C on transcript NM_006073.4 (MANE Select); coding-DNA position 1208, A replaced by C.
Protein change: p.His403Pro; replaces histidine 403 with proline.
Molecular consequence: missense variant.
Genome position (GRCh38, 1-based): chr6:123,377,877, T>G on the plus strand (A>C on the coding strand, the complement: TRDN is on the minus strand). VCF-style: chr6-123377877-T-G. GRCh37 (hg19) VCF-style: chr6-123699022-T-G.
Other names: c.1208A>C (NM_006073.2); c.1211A>C, p.His404Pro (NM_001251987.2); c.1151A>C, p.His384Pro (NM_001407315.1); short protein forms H403P, H404P, H384P.
Identifiers: ClinVar variation 2065552 (VCV002065552.6), dbSNP rs576144875, ClinGen allele CA147257441.